The following is an entry in ClinVar:

NM_004360.5(CDH1):c.1929C>A (p.Asn643Lys)

Gene: CDH1 (cadherin 1; plus strand). Cytogenetic location: 16q22.1.
Variant type: single nucleotide variant.
Coding change: c.1929C>A on transcript NM_004360.5 (MANE Select); coding-DNA position 1929, C replaced by A.
Protein change: p.Asn643Lys; replaces asparagine 643 with lysine.
Molecular consequence: missense variant. On other transcripts: 5 prime UTR variant (1).
Genome position (GRCh38, 1-based): chr16:68,822,218, C>A. VCF-style: chr16-68822218-C-A. GRCh37 (hg19) VCF-style: chr16-68856121-C-A.
Other names: c.1929C>A (LRG_301t1); c.1746C>A, p.Asn582Lys (NM_001317184.2); c.381C>A, p.Asn127Lys (NM_001317185.2); c.-37C>A (NM_001317186.2); short protein forms N643K, N582K, N127K.
Identifiers: ClinVar variation 481688 (VCV000481688.21), dbSNP rs374152504, ClinGen allele CA396467274.

ClinVar aggregate classification (germline): Conflicting classifications of pathogenicity. Review status: criteria provided, conflicting classifications (1 of 4 stars). 3 submissions from 3 submitters: Uncertain significance (2); Likely benign (1). Last evaluated 2026-06-03.

Conditions:
Hereditary cancer-predisposing syndrome. Also called: Tumor predisposition; Hereditary neoplastic syndrome; Neoplastic Syndromes, Hereditary; Hereditary Cancer Syndrome. Identifiers: Orphanet 140162, MedGen C0027672, MeSH D009386, MONDO:0015356.
Hereditary diffuse gastric adenocarcinoma (HDGC). Also called: DIFFUSE GASTRIC AND LOBULAR BREAST CANCER SYNDROME. Identifiers: Orphanet 26106, MedGen C1708349, MONDO:0007648, OMIM 137215.

Submissions (3):

Ambry Genetics
Classification: Likely benign for Hereditary cancer-predisposing syndrome. Last evaluated: 2026-06-03. Review status: criteria provided, single submitter. Criteria: Ambry Variant Classification Scheme 2023. Collection method: clinical testing. Allele origin: germline.

Labcorp Genetics (formerly Invitae), Labcorp
Classification: Uncertain significance for Hereditary diffuse gastric adenocarcinoma. Last evaluated: 2024-08-05. Review status: criteria provided, single submitter. Criteria: Invitae Variant Classification Sherloc (09022015). Collection method: clinical testing. Allele origin: germline.
Comment: This sequence change replaces asparagine, which is neutral and polar, with lysine, which is basic and polar, at codon 643 of the CDH1 protein (p.Asn643Lys). This variant is not present in population databases (gnomAD no frequency). This variant has not been reported in the literature in individuals affected with CDH1-related conditions. ClinVar contains an entry for this variant (Variation ID: 481688). An algorithm developed to predict the effect of missense changes on protein structure and function outputs the following: PolyPhen-2: "Benign". The lysine amino acid residue is found in multiple mammalian species, which suggests that this missense change does not adversely affect protein function. In summary, the available evidence is currently insufficient to determine the role of this variant in disease. Therefore, it has been classified as a Variant of Uncertain Significance.

Color Diagnostics, LLC DBA Color Health
Classification: Uncertain significance for Hereditary cancer-predisposing syndrome. Last evaluated: 2023-12-05. Review status: criteria provided, single submitter. Criteria: ACMG Guidelines, 2015. Collection method: clinical testing. Allele origin: germline.
Comment: This missense variant replaces asparagine with lysine at codon 643 of the CDH1 protein. To our knowledge, functional studies have not been reported for this variant. This variant has not been reported in individuals affected with CDH1-related disorders in the literature. This variant has not been identified in the general population by the Genome Aggregation Database (gnomAD). The available evidence is insufficient to determine the role of this variant in disease conclusively. Therefore, this variant is classified as a Variant of Uncertain Significance.